The following is an entry in ClinVar:

ClinVar aggregate classification (germline): Uncertain significance (1 of 4 stars; one submission).

Conditions:
Charcot-Marie-Tooth disease type 4. Also called: Charcot-Marie-Tooth disease, type IV; Charcot-Marie-Tooth, Type 4. Identifiers: Orphanet 64749, MedGen C4082197, MONDO:0018995.

gnomAD v4.1: 3 of 1,614,050 alleles (0.00019%); highest among the groups gnomAD compares: Non-Finnish European, 0.00025%; no homozygotes.

Submission:

Labcorp Genetics (formerly Invitae), Labcorp
Classification: Uncertain significance for Charcot-Marie-Tooth disease type 4. Last evaluated: 2022-05-09. Review status: criteria provided, single submitter. Criteria: Invitae Variant Classification Sherloc (09022015). Collection method: clinical testing. Allele origin: germline.
Comment: In summary, the available evidence is currently insufficient to determine the role of this variant in disease. Therefore, it has been classified as a Variant of Uncertain Significance. Algorithms developed to predict the effect of missense changes on protein structure and function (SIFT, PolyPhen-2, Align-GVGD) all suggest that this variant is likely to be tolerated. This variant has not been reported in the literature in individuals affected with SBF2-related conditions. This variant is not present in population databases (gnomAD no frequency). This sequence change replaces glycine, which is neutral and non-polar, with alanine, which is neutral and non-polar, at codon 1056 of the SBF2 protein (p.Gly1056Ala).

NM_030962.4(SBF2):c.3167G>C (p.Gly1056Ala)

Genes: SBF2 (SET binding factor 2; minus strand), LOC101928008 (uncharacterized LOC101928008; plus strand). Cytogenetic location: 11p15.4.
Variant type: single nucleotide variant.
Coding change: c.3167G>C on transcript NM_030962.4 (MANE Select); coding-DNA position 3167, G replaced by C.
Protein change: p.Gly1056Ala; replaces glycine 1056 with alanine.
Molecular consequence: missense variant.
Genome position (GRCh38, 1-based): chr11:9,842,714, C>G on the plus strand (G>C on the coding strand, the complement: SBF2 is on the minus strand). VCF-style: chr11-9842714-C-G. GRCh37 (hg19) VCF-style: chr11-9864261-C-G.
Other names: c.3167G>C, p.Gly1056Ala (NM_001386339.1); c.3038G>C, p.Gly1013Ala (NM_001386342.1); short protein forms G1056A, G1013A.
Identifiers: ClinVar variation 1896132 (VCV001896132.5), dbSNP rs778930864, ClinGen allele CA379631072.